The following is an entry in ClinVar:

NM_000390.4(CHM):c.1695T>A (p.Tyr565Ter)

Gene: CHM (CHM Rab escort protein; minus strand). Cytogenetic location: Xq21.2.
Variant type: single nucleotide variant.
Coding change: c.1695T>A on transcript NM_000390.4 (MANE Select); coding-DNA position 1695, T replaced by A.
Protein change: p.Tyr565Ter; replaces tyrosine 565 with a stop codon.
Molecular consequence: nonsense.
Genome position (GRCh38, 1-based): chrX:85,873,127, A>T on the plus strand (T>A on the coding strand, the complement: CHM is on the minus strand). VCF-style: chrX-85873127-A-T. GRCh37 (hg19) VCF-style: chrX-85128132-A-T.
Other names: c.1251T>A, p.Tyr417Ter (NM_001320959.1, NM_001362517.1, NM_001362518.2 and 1 more transcripts); short protein forms Y417*, Y565*.
Identifiers: ClinVar variation 2809655 (VCV002809655.4), dbSNP rs764025364, ClinGen allele CA413786605.

ClinVar aggregate classification (germline): Pathogenic. Review status: criteria provided, multiple submitters, no conflicts (2 of 4 stars). 2 submissions from 2 submitters: Pathogenic (2). Last evaluated 2026-05-07.

Conditions:
Retinal disorder. Also called: Retinal disorders; Retinopathies; Retinal Diseases; Retinopathy. Identifiers: MedGen C0035309, MONDO:0005283, HP:0000488.

Submissions (2):

North West Genomic Laboratory Hub, Manchester University NHS Foundation Trust
Classification: Pathogenic for Retinal disorders. Last evaluated: 2026-05-07. Review status: criteria provided, single submitter. Criteria: ACGS Best Practice Guidelines for Variant Classification in Rare Disease 2024. Collection method: clinical testing. Allele origin: germline. Affected: yes.
Comment: PM2_Mod PP4_Supp PVS1_VStr

Labcorp Genetics (formerly Invitae), Labcorp
Classification: Pathogenic. Last evaluated: 2022-10-25. Review status: criteria provided, single submitter. Criteria: Invitae Variant Classification Sherloc (09022015). Collection method: clinical testing. Allele origin: germline.
Comment: This sequence change creates a premature translational stop signal (p.Tyr565*) in the CHM gene. It is expected to result in an absent or disrupted protein product. Loss-of-function variants in CHM are known to be pathogenic (PMID: 9067750, 23811034). This variant is not present in population databases (gnomAD no frequency). This variant has not been reported in the literature in individuals affected with CHM-related conditions. For these reasons, this variant has been classified as Pathogenic.

Literature cited by the submitters: PubMed 9067750 (cited by Labcorp Genetics (formerly Invitae), Labcorp); PubMed 23811034 (cited by Labcorp Genetics (formerly Invitae), Labcorp).